The following is an entry in ClinVar:

NM_003774.5(GALNT4):c.924C>T (p.Thr308=)

Genes: GALNT4 (polypeptide N-acetylgalactosaminyltransferase 4; minus strand), POC1B (POC1 centriolar protein B; minus strand), POC1B-DUSP6 (POC1B-DUSP6 readthrough; minus strand), POC1B-GALNT4 (POC1B-GALNT4 readthrough; minus strand). Cytogenetic location: 12q21.33.
Variant type: single nucleotide variant.
Coding change: c.924C>T on transcript NM_003774.5 (MANE Select); coding-DNA position 924, C replaced by T.
Protein change: p.Thr308=; no amino-acid change (threonine 308 retained).
Molecular consequence: synonymous variant. On other transcripts: intron variant (8).
Genome position (GRCh38, 1-based): chr12:89,523,626, G>A on the plus strand (C>T on the coding strand, the complement: GALNT4 is on the minus strand). VCF-style: chr12-89523626-G-A. GRCh37 (hg19) VCF-style: chr12-89917403-G-A.
Other names: c.915C>T, p.Thr305= (NM_001199781.2); c.408C>T, p.Thr136= (NM_001199782.1); c.-119+1494C>T (NM_001425796.1, NM_001425773.1); c.100+1494C>T (NM_001425795.1, NM_001425794.1, NM_001425772.1 and 2 more transcripts); c.-27+1494C>T (NM_001199777.2).
Identifiers: ClinVar variation 5038938 (VCV005038938.1).

ClinVar aggregate classification (germline): Likely benign (1 of 4 stars; one submission).

gnomAD v4.1: 6 of 1,547,640 alleles (0.00039%); highest among the groups gnomAD compares: South Asian, 0.0013%; no homozygotes.

Submission:

CeGaT Center for Human Genetics Tuebingen
Classification: Likely benign. Last evaluated: 2026-08-01. Review status: criteria provided, single submitter. Criteria: CeGaT Center For Human Genetics Tuebingen Variant Classification Criteria Version 2. Collection method: clinical testing. Allele origin: germline. Affected: yes. Observed: 1 variant allele.
Comment: GALNT4: BP4, BP7; POC1B-GALNT4: BP4, BP7